The following is an entry in ClinVar:

ClinVar aggregate classification (germline): Uncertain significance (1 of 4 stars; one submission).

Conditions:
Familial adenomatous polyposis 1 (FAP1). Also called: FAMILIAL ADENOMATOUS POLYPOSIS 1, ATTENUATED; POLYPOSIS, ADENOMATOUS INTESTINAL. Identifiers: MedGen C2713442, MONDO:0021056, OMIM 175100. Disease mechanism: loss of function.

Submission:

Labcorp Genetics (formerly Invitae), Labcorp
Classification: Uncertain significance for Familial adenomatous polyposis 1. Last evaluated: 2020-11-17. Review status: criteria provided, single submitter. Criteria: Invitae Variant Classification Sherloc (09022015). Collection method: clinical testing. Allele origin: germline.
Comment: This sequence change replaces isoleucine with threonine at codon 2209 of the APC protein (p.Ile2209Thr). The isoleucine residue is weakly conserved and there is a moderate physicochemical difference between isoleucine and threonine. This variant is not present in population databases (ExAC no frequency). This variant has not been reported in the literature in individuals with APC-related conditions. Algorithms developed to predict the effect of missense changes on protein structure and function (SIFT, PolyPhen-2, Align-GVGD) all suggest that this variant is likely to be tolerated, but these predictions have not been confirmed by published functional studies and their clinical significance is uncertain. In summary, the available evidence is currently insufficient to determine the role of this variant in disease. Therefore, it has been classified as a Variant of Uncertain Significance.

NM_000038.6(APC):c.6626T>C (p.Ile2209Thr)

Gene: APC (APC regulator of Wnt signaling pathway; plus strand). Cytogenetic location: 5q22.2.
Variant type: single nucleotide variant.
Coding change: c.6626T>C on transcript NM_000038.6 (MANE Select); coding-DNA position 6626, T replaced by C.
Protein change: p.Ile2209Thr; replaces isoleucine 2209 with threonine.
Molecular consequence: missense variant.
Genome position (GRCh38, 1-based): chr5:112,842,220, T>C. VCF-style: chr5-112842220-T-C. GRCh37 (hg19) VCF-style: chr5-112177917-T-C.
Other names: c.6626T>C, p.Ile2209Thr (NM_001127510.3, NM_001354895.2); c.6572T>C, p.Ile2191Thr (NM_001127511.3); c.6680T>C, p.Ile2227Thr (NM_001354896.2); c.6656T>C, p.Ile2219Thr (NM_001354897.2); c.6551T>C, p.Ile2184Thr (NM_001354898.2); c.6542T>C, p.Ile2181Thr (NM_001354899.2); c.6503T>C, p.Ile2168Thr (NM_001354900.2); c.6449T>C, p.Ile2150Thr (NM_001354901.2); and 5 more; short protein forms I2049T, I2083T, I2191T, I2181T, I2219T, I1926T, I2118T, I2168T.
Identifiers: ClinVar variation 1348868 (VCV001348868.8), dbSNP rs2149969211, ClinGen allele CA16035825.
Genomic context (GRCh38, chr5:112,842,220, plus strand): 5'-AAGGAGGAAAAAAAGTTTATAAAAGTTTGATTACTGGAAAAGTTCGATCTAATTCAGAAA[T>C]TTCAGGCCAAATGAAACAGCCCCTTCAAGCAAACATGCCTTCAATCTCTCGAGGCAGGAC-3'
Protein context (NP_000029.2, residues 2199-2219): ITGKVRSNSE[Ile2209Thr]SGQMKQPLQA